The following is an entry in ClinVar:

ClinVar aggregate classification (germline): Uncertain significance. Review status: criteria provided, multiple submitters, no conflicts (2 of 4 stars). 2 submissions from 2 submitters: Uncertain significance (2). Last evaluated 2023-06-02.

Conditions:
Beckwith-Wiedemann syndrome (BWS). Also called: EMG SYNDROME; Exomphalos macroglossia gigantism syndrome. Identifiers: Orphanet 116, MedGen C0004903, MONDO:0007534, OMIM 130650.

Submissions (2):

Labcorp Genetics (formerly Invitae), Labcorp
Classification: Uncertain significance for Beckwith-Wiedemann syndrome. Last evaluated: 2023-06-02. Review status: criteria provided, single submitter. Criteria: Invitae Variant Classification Sherloc (09022015). Collection method: clinical testing. Allele origin: germline.
Comment: This variant is not present in population databases (gnomAD no frequency). This variant has not been reported in the literature in individuals affected with CDKN1C-related conditions. Advanced modeling of protein sequence and biophysical properties (such as structural, functional, and spatial information, amino acid conservation, physicochemical variation, residue mobility, and thermodynamic stability) has been performed at Invitae for this missense variant, however the output from this modeling did not meet the statistical confidence thresholds required to predict the impact of this variant on CDKN1C protein function. In summary, the available evidence is currently insufficient to determine the role of this variant in disease. Therefore, it has been classified as a Variant of Uncertain Significance. This sequence change replaces glycine, which is neutral and non-polar, with arginine, which is basic and polar, at codon 35 of the CDKN1C protein (p.Gly35Arg).

Blueprint Genetics
Classification: Uncertain significance. Last evaluated: 2023-02-15. Review status: criteria provided, single submitter. Criteria: ACMG Guidelines, 2015. Collection method: clinical testing. Allele origin: germline.

NM_001122630.2(CDKN1C):c.70G>A (p.Gly24Arg)

Gene: CDKN1C (cyclin dependent kinase inhibitor 1C; minus strand). Cytogenetic location: 11p15.4.
Variant type: single nucleotide variant.
Coding change: c.70G>A on transcript NM_001122630.2 (MANE Select); coding-DNA position 70, G replaced by A.
Protein change: p.Gly24Arg; replaces glycine 24 with arginine.
Molecular consequence: missense variant.
Genome position (GRCh38, 1-based): chr11:2,885,387, C>T on the plus strand (G>A on the coding strand, the complement: CDKN1C is on the minus strand). VCF-style: chr11-2885387-C-T. GRCh37 (hg19) VCF-style: chr11-2906617-C-T.
Other names: c.103G>A, p.Gly35Arg (NM_000076.2, NM_001362474.2); c.70G>A, p.Gly24Arg (NM_001122631.2, NM_001362475.2); short protein forms G24R, G35R.
Identifiers: ClinVar variation 2798288 (VCV002798288.4), dbSNP rs2494390648, ClinGen allele CA379147763.